The following is an entry in ClinVar:

ClinVar aggregate classification (germline): Uncertain significance (1 of 4 stars; one submission).

Submission:

Labcorp Genetics (formerly Invitae), Labcorp
Classification: Uncertain significance. Last evaluated: 2020-08-14. Review status: criteria provided, single submitter. Criteria: Invitae Variant Classification Sherloc (09022015). Collection method: clinical testing. Allele origin: germline.
Comment: This sequence change replaces glycine with valine at codon 817 of the POLE protein (p.Gly817Val). The glycine residue is highly conserved and there is a moderate physicochemical difference between glycine and valine. This variant is not present in population databases (ExAC no frequency). This variant has not been reported in the literature in individuals with POLE-related conditions. Algorithms developed to predict the effect of missense changes on protein structure and function (SIFT, PolyPhen-2, Align-GVGD) all suggest that this variant is likely to be disruptive, but these predictions have not been confirmed by published functional studies and their clinical significance is uncertain. In summary, the available evidence is currently insufficient to determine the role of this variant in disease. Therefore, it has been classified as a Variant of Uncertain Significance.

NM_006231.4(POLE):c.2450G>T (p.Gly817Val)

Gene: POLE (DNA polymerase epsilon, catalytic subunit; minus strand). Cytogenetic location: 12q24.33.
Variant type: single nucleotide variant.
Coding change: c.2450G>T on transcript NM_006231.4 (MANE Select); coding-DNA position 2450, G replaced by T.
Protein change: p.Gly817Val; replaces glycine 817 with valine.
Molecular consequence: missense variant.
Genome position (GRCh38, 1-based): chr12:132,665,320, C>A on the plus strand (G>T on the coding strand, the complement: POLE is on the minus strand). VCF-style: chr12-132665320-C-A. GRCh37 (hg19) VCF-style: chr12-133241906-C-A.
Other names: short protein forms G817V.
Identifiers: ClinVar variation 998707 (VCV000998707.8), dbSNP rs2042768985, ClinGen allele CA387396956.